The following is an entry in ClinVar:

NC_000022.11:g.40346276G>A

Gene: ADSL (adenylosuccinate lyase; plus strand). Cytogenetic location: 22q13.1.
Variant type: single nucleotide variant.
Genome position: GRCh38 VCF-style: chr22-40346276-G-A. GRCh37 (hg19) VCF-style: chr22-40742280-G-A.
Identifiers: ClinVar variation 1405827 (VCV001405827.3), dbSNP rs540176537, ClinGen allele CA324446742.
Genomic context (GRCh38, chr22:40,346,276, plus strand): 5'-TCCGGTCTGGGGCCCCCACAGTGCTGGGATTACAAGCGTGAGCCACCGCGCCCGGCCAAG[G>A]AAGTCTTAATGTACCTCTTTTCAGACAGGAAAACTAAAGTGTAGCGCGGCTAAGTAACGT-3'

ClinVar aggregate classification (germline): Uncertain significance (1 of 4 stars; one submission).

Conditions:
Adenylosuccinate lyase deficiency (ADSLD). Also called: ADSL DEFICIENCY. Identifiers: Orphanet 46, MedGen C0268126, MONDO:0007068, OMIM 103050.

Submission:

Labcorp Genetics (formerly Invitae), Labcorp
Classification: Uncertain significance for Adenylosuccinate lyase deficiency. Last evaluated: 2022-08-09. Review status: criteria provided, single submitter. Criteria: Invitae Variant Classification Sherloc (09022015). Collection method: clinical testing. Allele origin: germline.
Comment: This variant occurs in a non-coding region of the ADSL gene. It does not change the encoded amino acid sequence of the ADSL protein. This variant is present in population databases (rs540176537, gnomAD 0.007%). This variant has not been reported in the literature in individuals affected with ADSL-related conditions. Experimental studies and prediction algorithms are not available or were not evaluated, and the functional significance of this variant is currently unknown. In summary, the available evidence is currently insufficient to determine the role of this variant in disease. Therefore, it has been classified as a Variant of Uncertain Significance.